The following is an entry in ClinVar:

ClinVar aggregate classification (germline): Uncertain significance. Review status: criteria provided, multiple submitters, no conflicts (2 of 4 stars). 5 submissions from 5 submitters: Uncertain significance (4). 1 of the submissions does not count toward it. Last evaluated 2026-03-05.

Conditions:
Atypical hemolytic-uremic syndrome with B factor anomaly. Also called: HEMOLYTIC UREMIC SYNDROME, ATYPICAL, SUSCEPTIBILITY TO, 4; AHUS, SUSCEPTIBILITY TO, 4. Identifiers: Orphanet 2134, MedGen C2752038, MONDO:0013042, OMIM 612924.
Inborn genetic diseases. Identifiers: MedGen C0950123, MeSH D030342.

Allele frequency attached by ClinVar (database versions not stated): gnomAD exomes 0.00001; TOPMed 0.00001; 1000 Genomes Project 0.00020; gnomAD 0.00001 and 0.00002; ExAC 0.00002; 1000 Genomes Project 30x 0.00016.
gnomAD v4.1: 18 of 1,612,942 alleles (0.0011%); highest among the groups gnomAD compares: Admixed American, 0.025%; no homozygotes.

Submissions (5):

Dasa
Classification: Uncertain significance. Last evaluated: 2026-03-05. Review status: criteria provided, single submitter. Criteria: DASA Assertion Criteria. Collection method: clinical testing. Allele origin: germline.
Comment: NM_001710.6(CFB):c.1861G>A (p.Glu621Lys) is a missense variant that results in the substitution of glutamic acid with lysine. This variant is rare in population databases. The currently available literature and clinical evidence are not sufficient to establish a definitive association between this variant and the reported condition. Therefore, this variant is classified as a variant of uncertain significance.

Labcorp Genetics (formerly Invitae), Labcorp
Classification: Uncertain significance. Last evaluated: 2025-07-30. Review status: criteria provided, single submitter. Criteria: Invitae Variant Classification Sherloc (09022015). Collection method: clinical testing. Allele origin: germline.
Comment: This sequence change replaces glutamic acid, which is acidic and polar, with lysine, which is basic and polar, at codon 621 of the CFB protein (p.Glu621Lys). This variant is present in population databases (rs573842877, gnomAD 0.007%). This variant has not been reported in the literature in individuals affected with CFB-related conditions. ClinVar contains an entry for this variant (Variation ID: 369946). Invitae Evidence Modeling of protein sequence and biophysical properties (such as structural, functional, and spatial information, amino acid conservation, physicochemical variation, residue mobility, and thermodynamic stability) indicates that this missense variant is not expected to disrupt CFB protein function with a negative predictive value of 80%. In summary, the available evidence is currently insufficient to determine the role of this variant in disease. Therefore, it has been classified as a Variant of Uncertain Significance.

Ambry Genetics
Classification: Uncertain significance for Inborn genetic diseases. Last evaluated: 2024-09-25. Review status: criteria provided, single submitter. Criteria: Ambry Variant Classification Scheme 2023. Collection method: clinical testing. Allele origin: germline.

Breakthrough Genomics
Classification: Uncertain significance. Review status: criteria provided, single submitter. Criteria: ACMG Guidelines, 2015. Collection method: not provided. Allele origin: germline. Inheritance: Autosomal recessive inheritance. Affected: yes.

Bioscientia Institut fuer Medizinische Diagnostik GmbH, Sonic Healthcare
Classification: Uncertain significance for Atypical hemolytic-uremic syndrome with B factor anomaly. Review status: no assertion criteria provided. Collection method: clinical testing. Allele origin: germline. Affected: yes. Not counted in ClinVar's aggregate classification.

NM_001710.6(CFB):c.1861G>A (p.Glu621Lys)

Gene: CFB (complement factor B; plus strand). Cytogenetic location: 6p21.33.
Variant type: single nucleotide variant.
Coding change: c.1861G>A on transcript NM_001710.6 (MANE Select); coding-DNA position 1861, G replaced by A.
Protein change: p.Glu621Lys; replaces glutamic acid 621 with lysine.
Molecular consequence: missense variant.
Genome position (GRCh38, 1-based): chr6:31,951,149, G>A. VCF-style: chr6-31951149-G-A. GRCh37 (hg19) VCF-style: chr6-31918926-G-A.
Other names: short protein forms E621K.
Identifiers: ClinVar variation 369946 (VCV000369946.13), dbSNP rs573842877, ClinGen allele CA3728485.